The following is an entry in ClinVar:

ClinVar aggregate classification (germline): Benign (1 of 4 stars; one submission).

Allele frequency attached by ClinVar (database versions not stated): gnomAD exomes 0.00459 and 0.01328; ExAC 0.01393; gnomAD 0.03101 and 0.03212; ESP Exome Variant Server 0.03245; TOPMed 0.03503; 1000 Genomes Project 30x 0.04747; 1000 Genomes Project 0.04852.

Submission:

GeneDx
Classification: Benign. Last evaluated: 2018-06-16. Review status: criteria provided, single submitter. Criteria: GeneDx Variant Classification (06012015). Collection method: clinical testing. Allele origin: germline. Affected: yes.
Comment: This variant is considered likely benign or benign based on one or more of the following criteria: it is a conservative change, it occurs at a poorly conserved position in the protein, it is predicted to be benign by multiple in silico algorithms, and/or has population frequency not consistent with disease.

NM_001384474.1(LOXHD1):c.512-36del

Gene: LOXHD1 (lipoxygenase homology PLAT domains 1; minus strand). Cytogenetic location: 18q21.1.
Variant type: Deletion.
Coding change: c.512-36del on transcript NM_001384474.1 (MANE Select); 36 bases into the intron before coding-DNA position 512, one base deleted (T; older notation c.512-36delT).
Molecular consequence: intron variant.
Genome position (GRCh38, 1-based): chr18:46,618,326, A deleted on the plus strand (T on the coding strand, the reverse complement: LOXHD1 is on the minus strand). VCF-style (leftmost placement, unchanged base first): chr18-46618325-CA-C. GRCh37 (hg19) VCF-style: chr18-44198288-CA-C.
Other names: c.512-36del (NM_144612.7); c.512-36delT (NM_144612.6).
Identifiers: ClinVar variation 684164 (VCV000684164.1), dbSNP rs75564649, ClinGen allele CA8952916.